The following is an entry in ClinVar:

NM_032578.4(MYPN):c.2409C>G (p.Ser803Arg)

Gene: MYPN (myopalladin; plus strand). Cytogenetic location: 10q21.3.
Variant type: single nucleotide variant.
Coding change: c.2409C>G on transcript NM_032578.4 (MANE Select); coding-DNA position 2409, C replaced by G.
Protein change: p.Ser803Arg; replaces serine 803 with arginine.
Molecular consequence: missense variant. On other transcripts: non-coding transcript variant (2).
Genome position (GRCh38, 1-based): chr10:68,174,501, C>G. VCF-style: chr10-68174501-C-G. GRCh37 (hg19) VCF-style: chr10-69934258-C-G.
Other names: p.S803R:AGC>AGG; c.2409C>G, p.Ser803Arg (NM_001256267.2); c.1527C>G, p.Ser509Arg (NM_001256268.2); short protein forms S803R, S509R.
Identifiers: ClinVar variation 31808 (VCV000031808.28), dbSNP rs3814182, ClinGen allele CA200029.
Genomic context (GRCh38, chr10:68,174,501, plus strand): 5'-GCCACTCCCACCAGGCCCAACAGAACCAACACCACCACCATTCACATTTTCCATCCCCAG[C>G]GGAAACCAGTTTCAGCCCCGCTGTGTGTCCCCAATTCCTGTCTCTCCTACCAGCCGGATT-3'
Protein context (NP_115967.2, residues 793-813): TPPPFTFSIP[Ser803Arg]GNQFQPRCVS

ClinVar aggregate classification (germline): Benign. Review status: criteria provided, multiple submitters, no conflicts (2 of 4 stars). 13 submissions from 13 submitters: Benign (10). 3 of the submissions do not count toward it. Last evaluated 2026-02-04.

Conditions:
Cardiovascular phenotype. Identifiers: MedGen CN230736.
Dilated cardiomyopathy 1KK (CMD1KK). Identifiers: Orphanet 154, Orphanet 75249, MedGen C3714995, MONDO:0014100, OMIM 615248.

Allele frequency attached by ClinVar (database versions not stated): ESP Exome Variant Server 0.52299; 1000 Genomes Project 0.47145; 1000 Genomes Project 30x 0.47220; TOPMed 0.50192.
gnomAD v4.1: 881,527 of 1,613,720 alleles (55%); highest among the groups gnomAD compares: Non-Finnish European, 57%; 243,329 homozygotes.

Submissions (13):

Labcorp Genetics (formerly Invitae), Labcorp
Classification: Benign for Dilated cardiomyopathy 1KK. Last evaluated: 2026-02-04. Review status: criteria provided, single submitter. Criteria: Invitae Variant Classification Sherloc (09022015). Collection method: clinical testing. Allele origin: germline.

Blueprint Genetics
Classification: Benign. Last evaluated: 2024-11-27. Review status: criteria provided, single submitter. Criteria: ACMG Guidelines, 2015. Collection method: clinical testing. Allele origin: germline.

Women's Health and Genetics/Laboratory Corporation of America, LabCorp
Classification: Benign. Last evaluated: 2023-04-04. Review status: criteria provided, single submitter. Criteria: LabCorp Variant Classification Summary - May 2015. Collection method: clinical testing. Allele origin: germline.

Mayo Clinic Laboratories, Mayo Clinic
Classification: Benign. Last evaluated: 2022-03-24. Review status: criteria provided, single submitter. Criteria: ACMG Guidelines, 2015. Collection method: clinical testing. Allele origin: germline. Observed: 1,166 variant alleles.

Molecular Diagnostic Laboratory for Inherited Cardiovascular Disease, Montreal Heart Institute
Classification: Benign. Last evaluated: 2016-05-13. Review status: criteria provided, single submitter. Criteria: ACMG Guidelines, 2015. Collection method: clinical testing. Allele origin: germline. Affected: yes.

Ambry Genetics
Classification: Benign for Cardiovascular phenotype. Last evaluated: 2015-06-12. Review status: criteria provided, single submitter. Criteria: Ambry Variant Classification Scheme 2023. Collection method: clinical testing. Allele origin: germline.

Laboratory for Molecular Medicine, Mass General Brigham Personalized Medicine
Classification: Benign. Last evaluated: 2014-10-29. Review status: criteria provided, single submitter. Criteria: LMM Criteria. Collection method: clinical testing. Allele origin: germline. Observed: 452 variant alleles.
Comment: p.Ser803Arg in exon 12 of MYPN: This variant is not expected to have clinical si gnificance because it has been identified in 55% (4738/8600) of European America n chromosomes by the NHLBI Exome Sequencing Project (u/EVS/; dbSNP rs3814182).

GeneDx
Classification: Benign. Last evaluated: 2013-11-20. Review status: criteria provided, single submitter. Criteria: GeneDx Variant Classification (06012015). Collection method: clinical testing. Allele origin: germline. Affected: yes.
Comment: This variant is considered likely benign or benign based on one or more of the following criteria: it is a conservative change, it occurs at a poorly conserved position in the protein, it is predicted to be benign by multiple in silico algorithms, and/or has population frequency not consistent with disease.

Biesecker Lab/Clinical Genomics Section, National Institutes of Health
Classification: Benign. Last evaluated: 2013-06-24. Review status: criteria provided, single submitter. Criteria: Ng et al. (Circ Cardiovasc Genet. 2013). Collection method: research. Allele origin: unknown. Observed: 645 variant alleles. Study: ClinSeq.
Comment: The study set was not selected for affection status in relation to any cancer. Pathogenicity categories were based on literature curation. See Pubmed ID:23861362 for details.

Medical sequencing

Breakthrough Genomics
Classification: Benign. Review status: criteria provided, single submitter. Criteria: ACMG Guidelines, 2015. Collection method: not provided. Allele origin: germline. Inheritance: Autosomal recessive inheritance. Affected: yes.

Leiden Muscular Dystrophy (MYPN)
No classification provided. Last evaluated: 2012-04-27. Review status: no classification provided. Collection method: curation. Allele origin: germline. Not counted in ClinVar's aggregate classification.

Clinical Genetics, Academic Medical Center
Classification: Benign. Review status: no assertion criteria provided. Collection method: clinical testing. Allele origin: germline. Affected: yes. Study: VKGL Data-share Consensus. Not counted in ClinVar's aggregate classification.

Joint Genome Diagnostic Labs from Nijmegen and Maastricht, Radboudumc and MUMC+
Classification: Benign. Review status: no assertion criteria provided. Collection method: clinical testing. Allele origin: germline. Affected: yes. Study: VKGL Data-share Consensus. Not counted in ClinVar's aggregate classification.

Literature cited by the submitters: PubMed 22286171 (cited by Laboratory for Molecular Medicine, Mass General Brigham Personalized Medicine); PubMed 18006477 (cited by Laboratory for Molecular Medicine, Mass General Brigham Personalized Medicine).